The following is an entry in ClinVar:

ClinVar aggregate classification (germline): Uncertain significance (1 of 4 stars; one submission).

Conditions:
Hereditary cancer-predisposing syndrome. Also called: Neoplastic Syndromes, Hereditary; Tumor predisposition; Hereditary Cancer Syndrome; Hereditary neoplastic syndrome. Identifiers: Orphanet 140162, MedGen C0027672, MeSH D009386, MONDO:0015356.

Submission:

Ambry Genetics
Classification: Uncertain significance for Hereditary cancer-predisposing syndrome. Last evaluated: 2025-08-08. Review status: criteria provided, single submitter. Criteria: Ambry Variant Classification Scheme 2023. Collection method: clinical testing. Allele origin: germline.
Comment: The p.S265G variant (also known as c.793A>G), located in coding exon 7 of the SDHA gene, results from an A to G substitution at nucleotide position 793. The serine at codon 265 is replaced by glycine, an amino acid with similar properties. This amino acid position is conserved. In addition, the in silico prediction for this alteration is inconclusive. Based on the available evidence, the clinical significance of this variant remains unclear.

NM_004168.4(SDHA):c.793A>G (p.Ser265Gly)

Gene: SDHA (succinate dehydrogenase complex flavoprotein subunit A; plus strand). Cytogenetic location: 5p15.33.
Variant type: single nucleotide variant.
Coding change: c.793A>G on transcript NM_004168.4 (MANE Select); coding-DNA position 793, A replaced by G.
Protein change: p.Ser265Gly; replaces serine 265 with glycine.
Molecular consequence: missense variant.
Genome position (GRCh38, 1-based): chr5:230,898, A>G. VCF-style: chr5-230898-A-G. GRCh37 (hg19) VCF-style: chr5-231013-A-G.
Other names: c.649A>G, p.Ser217Gly (NM_001294332.2); c.793A>G, p.Ser265Gly (NM_001330758.2); short protein forms S265G, S217G.
Identifiers: ClinVar variation 4161173 (VCV004161173.1).